The following is an entry in ClinVar:

NM_033310.3(KCNK4):c.730G>C (p.Ala244Pro)

Genes: KCNK4 (potassium two pore domain channel subfamily K member 4; plus strand), KCNK4-CATSPERZ (KCNK4-CATSPERZ readthrough (NMD candidate); plus strand). Cytogenetic location: 11q13.1.
Variant type: single nucleotide variant.
Coding change: c.730G>C on transcript NM_033310.3 (MANE Select); coding-DNA position 730, G replaced by C.
Protein change: p.Ala244Pro; replaces alanine 244 with proline.
Molecular consequence: missense variant. On other transcripts: non-coding transcript variant (3).
Genome position (GRCh38, 1-based): chr11:64,298,178, G>C. VCF-style: chr11-64298178-G-C. GRCh37 (hg19) VCF-style: chr11-64065650-G-C.
Other names: c.730G>C, p.Ala244Pro (NM_001317090.2); c.730G>C (NM_033310.2); short protein forms A244P.
Identifiers: ClinVar variation 560222 (VCV000560222.5), dbSNP rs1189909394, ClinGen allele CA381066207.

ClinVar aggregate classification (germline): Pathogenic/Likely pathogenic. Review status: criteria provided, multiple submitters, no conflicts (2 of 4 stars). 3 submissions from 3 submitters: Pathogenic (1); Likely pathogenic (1). 1 of the submissions does not count toward it. Last evaluated 2025-12-14.

Conditions:
Facial dysmorphism, hypertrichosis, epilepsy, intellectual/developmental delay, and gingival overgrowth syndrome. Identifiers: Orphanet 598603, MedGen C5193066, MONDO:0032714, OMIM 618381.
Intellectual disability. Also called: Intellectual functioning disability; intellectual disabilities; Intellectual developmental disorder. Identifiers: MedGen C3714756, MeSH D008607, MONDO:0001071, HP:0001249.
Seizure. Also called: Seizures. Identifiers: MedGen C0036572, HP:0001250.
Generalized hypertrichosis. Identifiers: MedGen C3277940, HP:0004554.
Gingival overgrowth. Also called: Gingival enlargement. Identifiers: MedGen C0376480, MONDO:0002507, HP:0000212.
Abnormal facial shape. Also called: Dysmorphic facies; Dysmorphic facial features. Identifiers: MedGen C0424503, HP:0001999.

Submissions (3):

Ambry Genetics
Classification: Likely pathogenic. Last evaluated: 2025-12-14. Review status: criteria provided, single submitter. Criteria: Ambry Variant Classification Scheme 2023. Collection method: clinical testing. Allele origin: germline.
Comment: The c.730G>C (p.A244P) alteration is located in exon 6 (coding exon 5) of the KCNK4 gene. This alteration results from a G to C substitution at nucleotide position 730, causing the alanine (A) at amino acid position 244 to be replaced by a proline (P). This variant was not reported in population-based cohorts in the Genome Aggregation Database (gnomAD). This variant was reported in individual(s) with features consistent with KCNK4-related neurodevelopmental disorder; in at least one individual, it was determined to be de novo (Bauer, 2018; Elhossini, 2024). This amino acid position is highly conserved in available vertebrate species. In an assay testing KCNK4 function, this variant showed a functionally abnormal result (Bauer, 2018). The in silico prediction for this alteration is inconclusive. Based on the available evidence, this alteration is classified as likely pathogenic.

Tartaglia Lab, Genetics and Rare Diseases Research Division, Bambino Gesu' Children's Hospital
Classification: Pathogenic for Abnormal facial shape; Generalized hypertrichosis; Seizure; Intellectual disability; Gingival overgrowth. Last evaluated: 2018-07-01. Review status: criteria provided, single submitter. Criteria: ACMG Guidelines, 2015. Collection method: research. Allele origin: de novo. Affected: yes.
Comment: this is a pathogenic variant associated with a novel neurodevelopmental disorder

OMIM
Classification: Pathogenic for FACIAL DYSMORPHISM, HYPERTRICHOSIS, EPILEPSY, INTELLECTUAL/DEVELOPMENTAL DELAY, AND GINGIVAL OVERGROWTH SYNDROME. Last evaluated: 2026-06-24. Review status: no assertion criteria provided. Collection method: literature only. Allele origin: germline. Not counted in ClinVar's aggregate classification.

Literature cited by the submitters: PubMed 30290154 (cited by Ambry Genetics and OMIM); PubMed 32981868 (cited by Ambry Genetics); PubMed 37750049 (cited by Ambry Genetics); PubMed 34390650 (cited by OMIM).